The following is an entry in ClinVar:

NM_000368.5(TSC1):c.1715_1722dup (p.Ser575fs)

Gene: TSC1 (TSC complex subunit 1; minus strand). Cytogenetic location: 9q34.13.
Variant type: Duplication.
Coding change: c.1715_1722dup on transcript NM_000368.5 (MANE Select); coding-DNA positions 1715 to 1722, 8 bases duplicated (GCCAGACT; older notation c.1715_1722dupGCCAGACT).
Protein change: p.Ser575fs; shifts the reading frame from serine 575.
Molecular consequence: frameshift variant.
Genome position (GRCh38, 1-based): chr9:132,905,856-132,905,863, AGTCTGGC duplicated on the plus strand (GCCAGACT on the coding strand, the reverse complement: TSC1 is on the minus strand); duplicating any 8 consecutive bases within chr9:132,905,856-132,905,864 gives the same sequence; the c. name uses the placement nearest the transcript's 3' end. VCF-style (leftmost placement, unchanged base first): chr9-132905855-A-AAGTCTGGC. GRCh37 (hg19) VCF-style: chr9-135781242-A-AAGTCTGGC.
Other names: c.1712_1719dup, p.Ser574fs (NM_001162426.2); c.1562_1569dup, p.Ser524fs (NM_001162427.2); c.1352_1359dup, p.Ser454fs (NM_001362177.2); c.1715_1722dupGCCAGACT (NM_000368.4); short protein forms S575fs, S454fs, S524fs, S574fs.
Identifiers: ClinVar variation 648763 (VCV000648763.11), dbSNP rs1588309702, ClinGen allele CA891866561.

ClinVar aggregate classification (germline): Pathogenic. Review status: criteria provided, multiple submitters, no conflicts (2 of 4 stars). 3 submissions from 3 submitters: Pathogenic (3). Last evaluated 2021-11-07.

Conditions:
Lymphangiomyomatosis (LAM). Also called: Lymphangioleiomyomatosis; Lymphangioleiomyomatosis, somatic. Identifiers: Orphanet 538, MedGen C0751674, MONDO:0011705, OMIM 606690.
Tuberous sclerosis 1 (TSC1). Identifiers: Orphanet 805, MedGen C1854465, MONDO:0008612, OMIM 191100.

Submissions (3):

Genome-Nilou Lab
Classification: Pathogenic for Tuberous sclerosis 1. Last evaluated: 2021-11-07. Review status: criteria provided, single submitter. Criteria: ACMG Guidelines, 2015. Collection method: clinical testing. Allele origin: germline. Affected: no.

Labcorp Genetics (formerly Invitae), Labcorp
Classification: Pathogenic for Tuberous sclerosis 1. Last evaluated: 2018-11-10. Review status: criteria provided, single submitter. Criteria: Invitae Variant Classification Sherloc (09022015). Collection method: clinical testing. Allele origin: germline.
Comment: For these reasons, this variant has been classified as Pathogenic. Loss-of-function variants in TSC1 are known to be pathogenic (PMID: 10227394, 17304050). This variant has not been reported in the literature in individuals with TSC1-related disease. This variant is not present in population databases (ExAC no frequency). This sequence change creates a premature translational stop signal (p.Ser575Alafs*57) in the TSC1 gene. It is expected to result in an absent or disrupted protein product.

Baylor Genetics
Classification: Pathogenic for Lymphangiomyomatosis. Last evaluated: 2018-10-30. Review status: criteria provided, single submitter. Criteria: ACMG Guidelines, 2015. Collection method: clinical testing. Allele origin: paternal. Affected: yes. Study: CSER-TexasKidsCanSeq.
Comment: This variant was determined to be pathogenic according to ACMG Guidelines, 2015 [PMID:25741868].

Literature cited by the submitters: PubMed 10227394 (cited by Labcorp Genetics (formerly Invitae), Labcorp); PubMed 17304050 (cited by Labcorp Genetics (formerly Invitae), Labcorp).